The following is an entry in ClinVar:

NM_014049.4(ACAD9):c.[1552C>T];[1564-6_1569del]

Variant type: CompoundHeterozygote.
Identifiers: ClinVar variation 424750 (VCV000424750.3).

ClinVar aggregate classification (germline): Pathogenic (0 of 4 stars; one submission).

Conditions:
Acyl-CoA dehydrogenase 9 deficiency. Also called: Acyl-CoA dehydrogenase family, member 9, deficiency of; MITOCHONDRIAL COMPLEX I DEFICIENCY, NUCLEAR TYPE 20. Identifiers: Orphanet 99901, MedGen C4747517, MONDO:0012624, OMIM 611126.

Submission:

Institut IMAGINE, Institut National de la Sante et de la Recherche Medicale
Classification: Pathogenic for cardiac hypertrophy. Last evaluated: 2015-08-29. Review status: no assertion criteria provided. Collection method: clinical testing. Allele origin: germline. Inheritance: Autosomal recessive inheritance. Affected: yes. Observed: 1 variant allele.
Comment: predicted to be deleterious using three different prediction softwares, namely SIFT, MutationTaster and Polyphen-2

NM_014049.4: c.1552C>T is reported to be of paternal origin, whereas NM_014049.4: c.